The following is an entry in ClinVar:

NM_002473.6(MYH9):c.4478C>G (p.Ala1493Gly)

Gene: MYH9 (myosin heavy chain 9; minus strand). Cytogenetic location: 22q12.3.
Variant type: single nucleotide variant.
Coding change: c.4478C>G on transcript NM_002473.6 (MANE Select); coding-DNA position 4478, C replaced by G.
Protein change: p.Ala1493Gly; replaces alanine 1493 with glycine.
Molecular consequence: missense variant.
Genome position (GRCh38, 1-based): chr22:36,289,164, G>C on the plus strand (C>G on the coding strand, the complement: MYH9 is on the minus strand). VCF-style: chr22-36289164-G-C. GRCh37 (hg19) VCF-style: chr22-36685210-G-C.
Other names: short protein forms A1493G.
Identifiers: ClinVar variation 4775265 (VCV004775265.1).
Genomic context (GRCh38, chr22:36,289,164, plus strand): 5'-TTGGAGCTCATAAGGTCCTCCATCTCCGTGCGGAACTGCTTGTTGAGCCGCTCCAGCTCC[G>C]CCTTCTGCTCCATGGCTTCCTCCAGGGCCCGGGCCAGCGACAGAGCCTTGGTCTCCTTCT-3'
Protein context (NP_002464.1, residues 1483-1503): RALEEAMEQK[Ala1493Gly]ELERLNKQFR

ClinVar aggregate classification (germline): Uncertain significance (1 of 4 stars; one submission).

gnomAD v4.1: 8 of 1,613,716 alleles (0.0005%); highest among the groups gnomAD compares: Non-Finnish European, 0.00068%; no homozygotes.

Submission:

Labcorp Genetics (formerly Invitae), Labcorp
Classification: Uncertain significance. Last evaluated: 2025-10-03. Review status: criteria provided, single submitter. Criteria: Invitae Variant Classification Sherloc (09022015). Collection method: clinical testing. Allele origin: germline.
Comment: This sequence change replaces alanine, which is neutral and non-polar, with glycine, which is neutral and non-polar, at codon 1493 of the MYH9 protein (p.Ala1493Gly). This variant is not present in population databases (gnomAD no frequency). This variant has not been reported in the literature in individuals affected with MYH9-related conditions. Invitae Evidence Modeling of protein sequence and biophysical properties (such as structural, functional, and spatial information, amino acid conservation, physicochemical variation, residue mobility, and thermodynamic stability) indicates that this missense variant is not expected to disrupt MYH9 protein function with a negative predictive value of 95%. In summary, the available evidence is currently insufficient to determine the role of this variant in disease. Therefore, it has been classified as a Variant of Uncertain Significance.